The following is an entry in ClinVar:

NM_015001.3(SPEN):c.5434G>T (p.Ala1812Ser)

Gene: SPEN (spen family transcriptional repressor; plus strand). Cytogenetic location: 1p36.13.
Variant type: single nucleotide variant.
Coding change: c.5434G>T on transcript NM_015001.3 (MANE Select); coding-DNA position 5434, G replaced by T.
Protein change: p.Ala1812Ser; replaces alanine 1812 with serine.
Molecular consequence: missense variant.
Genome position (GRCh38, 1-based): chr1:15,931,674, G>T. VCF-style: chr1-15931674-G-T. GRCh37 (hg19) VCF-style: chr1-16258169-G-T.
Other names: short protein forms A1812S.
Identifiers: ClinVar variation 4875106 (VCV004875106.2).
Genomic context (GRCh38, chr1:15,931,674, plus strand): 5'-GAAGCTGCTCCTGAGTCTCAGCCCCCAGCTTCTGAAGATTTAGAGGTTGATCCTCCAGTT[G>T]CTGCAAAGGATAAAAAGCCAAACAAAAGCAAGCGTTCAAAGACCCCTGTTCAGGCAGCTG-3'
Protein context (NP_055816.2, residues 1802-1822): SEDLEVDPPV[Ala1812Ser]AKDKKPNKSK

ClinVar aggregate classification (germline): Uncertain significance (1 of 4 stars; one submission).

Submission:

CeGaT Center for Human Genetics Tuebingen
Classification: Uncertain significance. Last evaluated: 2026-06-01. Review status: criteria provided, single submitter. Criteria: CeGaT Center For Human Genetics Tuebingen Variant Classification Criteria Version 2. Collection method: clinical testing. Allele origin: germline. Affected: yes. Observed: 1 variant allele.
Comment: SPEN: PM2, BP4